The following is an entry in ClinVar:

ClinVar aggregate classification (germline): Uncertain significance. Review status: criteria provided, multiple submitters, no conflicts (2 of 4 stars). 3 submissions from 3 submitters: Uncertain significance (3). Last evaluated 2025-05-07.

Conditions:
Cardiovascular phenotype. Identifiers: MedGen CN230736.

Allele frequency attached by ClinVar (database versions not stated): gnomAD exomes 0.00001 and 0.00002; ExAC 0.00002; gnomAD 0.00002 and 0.00003; TOPMed 0.00002; 1000 Genomes Project 0.00026; 1000 Genomes Project 30x 0.00042.
gnomAD v4.1: 12 of 1,206,534 alleles (0.00099%); highest among the groups gnomAD compares: African/African-American, 0.0035%; no homozygotes.

Submissions (3):

Revvity Omics, Revvity
Classification: Uncertain significance. Last evaluated: 2025-05-07. Review status: criteria provided, single submitter. Criteria: ACMG Guidelines, 2015. Collection method: clinical testing. Allele origin: germline.

Labcorp Genetics (formerly Invitae), Labcorp
Classification: Uncertain significance. Last evaluated: 2024-01-18. Review status: criteria provided, single submitter. Criteria: Invitae Variant Classification Sherloc (09022015). Collection method: clinical testing. Allele origin: germline.
Comment: This sequence change replaces valine, which is neutral and non-polar, with methionine, which is neutral and non-polar, at codon 8 of the BGN protein (p.Val8Met). This variant is present in population databases (rs200211184, gnomAD 0.008%). This variant has not been reported in the literature in individuals affected with BGN-related conditions. ClinVar contains an entry for this variant (Variation ID: 1445098). Algorithms developed to predict the effect of missense changes on protein structure and function output the following: SIFT: "Not Available"; PolyPhen-2: "Benign"; Align-GVGD: "Not Available". The methionine amino acid residue is found in multiple mammalian species, which suggests that this missense change does not adversely affect protein function. In summary, the available evidence is currently insufficient to determine the role of this variant in disease. Therefore, it has been classified as a Variant of Uncertain Significance.

Ambry Genetics
Classification: Uncertain significance for Cardiovascular phenotype. Last evaluated: 2023-09-13. Review status: criteria provided, single submitter. Criteria: Ambry Variant Classification Scheme 2023. Collection method: clinical testing. Allele origin: germline.

NM_001711.6(BGN):c.22G>A (p.Val8Met)

Gene: BGN (biglycan; plus strand). Cytogenetic location: Xq28.
Variant type: single nucleotide variant.
Coding change: c.22G>A on transcript NM_001711.6 (MANE Select); coding-DNA position 22, G replaced by A.
Protein change: p.Val8Met; replaces valine 8 with methionine.
Molecular consequence: missense variant.
Genome position (GRCh38, 1-based): chrX:153,504,653, G>A. VCF-style: chrX-153504653-G-A. GRCh37 (hg19) VCF-style: chrX-152770111-G-A.
Other names: c.22G>A (NM_001711.4); short protein forms V8M.
Identifiers: ClinVar variation 1445098 (VCV001445098.8), dbSNP rs200211184, ClinGen allele CA10547112.